The following is an entry in ClinVar:

ClinVar aggregate classification (germline): Uncertain significance (1 of 4 stars; one submission).

Conditions:
CDK5RAP2-related disorder. Also called: CDK5RAP2-related condition.

gnomAD v4.1: 53 of 1,612,192 alleles (0.0033%); highest among the groups gnomAD compares: Middle Eastern, 0.083%; no homozygotes.

Submission:

PreventionGenetics, part of Exact Sciences
Classification: Uncertain significance for CDK5RAP2-related condition. Last evaluated: 2024-12-19. Review status: criteria provided, single submitter. Criteria: ACMG Guidelines, 2015. Collection method: clinical testing. Allele origin: germline.
Comment: The CDK5RAP2 c.1379G>A variant is predicted to result in the amino acid substitution p.Arg460His. To our knowledge, this variant has not been reported in the literature. This variant is reported in 0.036% of alleles in individuals of South Asian descent in gnomAD. At this time, the clinical significance of this variant is uncertain due to the absence of conclusive functional and genetic evidence.

NM_018249.6(CDK5RAP2):c.1379G>A (p.Arg460His)

Gene: CDK5RAP2 (CDK5 regulatory subunit associated protein 2; minus strand). Cytogenetic location: 9q33.2.
Variant type: single nucleotide variant.
Coding change: c.1379G>A on transcript NM_018249.6 (MANE Select); coding-DNA position 1379, G replaced by A.
Protein change: p.Arg460His; replaces arginine 460 with histidine.
Molecular consequence: missense variant. On other transcripts: non-coding transcript variant (5).
Genome position (GRCh38, 1-based): chr9:120,491,410, C>T on the plus strand (G>A on the coding strand, the complement: CDK5RAP2 is on the minus strand). VCF-style: chr9-120491410-C-T. GRCh37 (hg19) VCF-style: chr9-123253688-C-T.
Other names: c.1379G>A, p.Arg460His (NM_001011649.3, NM_001272039.2, NM_001410992.1 and 2 more transcripts); short protein forms R460H.
Identifiers: ClinVar variation 4980369 (VCV004980369.1).